The following is an entry in ClinVar:

NM_000193.4(SHH):c.1307C>A (p.Ser436Ter)

Gene: SHH (sonic hedgehog signaling molecule; minus strand). Cytogenetic location: 7q36.3.
Variant type: single nucleotide variant.
Coding change: c.1307C>A on transcript NM_000193.4 (MANE Select); coding-DNA position 1307, C replaced by A.
Protein change: p.Ser436Ter; replaces serine 436 with a stop codon.
Molecular consequence: nonsense. On other transcripts: intron variant (1).
Genome position (GRCh38, 1-based): chr7:155,802,982, G>T on the plus strand (C>A on the coding strand, the complement: SHH is on the minus strand). VCF-style: chr7-155802982-G-T. GRCh37 (hg19) VCF-style: chr7-155595676-G-T.
Other names: c.302-2737C>A (NM_001310462.2); short protein forms S436*.
Identifiers: ClinVar variation 545579 (VCV000545579.8), dbSNP rs1554493607, ClinGen allele CA370144053.

ClinVar aggregate classification (germline): Pathogenic/Likely pathogenic. Review status: criteria provided, multiple submitters, no conflicts (2 of 4 stars). 3 submissions from 3 submitters: Pathogenic (2); Likely pathogenic (1). Last evaluated 2023-08-26.

Conditions:
Holoprosencephaly 3 (HPE3). Identifiers: Orphanet 2162, MedGen C1840529, MONDO:0007733, OMIM 142945.

Submissions (3):

GeneDx
Classification: Likely pathogenic. Last evaluated: 2023-08-26. Review status: criteria provided, single submitter. Criteria: GeneDx Variant Classification Process June 2021. Collection method: clinical testing. Allele origin: germline.
Comment: Nonsense variant predicted to result in protein truncation, as the last 27 amino acids are lost, and other loss-of-function variants have been reported downstream in HGMD; Reported as an inherited variant in two unrelated individuals with holoprosencephaly; one individual also had a complex heart defect and the other also had a single central incisor (Tekendo-Ngongang et al., 2020); Not observed at significant frequency in large population cohorts (gnomAD); This variant is associated with the following publications: (PMID: 32022405)

Labcorp Genetics (formerly Invitae), Labcorp
Classification: Pathogenic for Holoprosencephaly 3. Last evaluated: 2023-06-15. Review status: criteria provided, single submitter. Criteria: Invitae Variant Classification Sherloc (09022015). Collection method: clinical testing. Allele origin: germline.
Comment: This variant disrupts the C-terminus of the SHH protein. Other variant(s) that disrupt this region (p.Q437*) have been observed in individuals with SHH-related conditions (PMID: 15942944). This suggests that this may be a clinically significant region of the protein. This variant is not present in population databases (gnomAD no frequency). This premature translational stop signal has been observed in individuals with holoprosencephaly (PMID: 32022405). ClinVar contains an entry for this variant (Variation ID: 545579). For these reasons, this variant has been classified as Pathogenic. This sequence change creates a premature translational stop signal (p.Ser436*) in the SHH gene. While this is not anticipated to result in nonsense mediated decay, it is expected to disrupt the last 27 amino acid(s) of the SHH protein.

Muenke lab, National Institutes of Health
Classification: Pathogenic for Holoprosencephaly 3. Last evaluated: 2017-03-15. Review status: criteria provided, single submitter. Criteria: ACMG Guidelines, 2015. Collection method: clinical testing. Allele origin: paternal. Inheritance: Autosomal dominant inheritance. Affected: yes.

Literature cited by the submitters: PubMed 15942944 (cited by Labcorp Genetics (formerly Invitae), Labcorp); PubMed 32022405 (cited by Labcorp Genetics (formerly Invitae), Labcorp).